The following is an entry in ClinVar:

ClinVar aggregate classification (germline): Uncertain significance. Review status: criteria provided, multiple submitters, no conflicts (2 of 4 stars). 3 submissions from 3 submitters: Uncertain significance (3). Last evaluated 2026-03-24.

Conditions:
Inborn genetic diseases. Identifiers: MedGen C0950123, MeSH D030342.

Allele frequency attached by ClinVar (database versions not stated): gnomAD 0.00001; TOPMed 0.00002; gnomAD exomes 0.00001.
gnomAD v4.1: 9 of 1,609,482 alleles (0.00056%); highest among the groups gnomAD compares: Admixed American, 0.0051%; no homozygotes.

Submissions (3):

GeneDx
Classification: Uncertain significance. Last evaluated: 2026-03-24. Review status: criteria provided, single submitter. Criteria: GeneDx Variant Classification Process June 2021. Collection method: clinical testing. Allele origin: germline.
Comment: Not observed at significant frequency in large population cohorts (gnomAD); In silico analysis suggests that this missense variant does not alter protein structure/function; Has not been previously published as pathogenic or benign to our knowledge

Ambry Genetics
Classification: Uncertain significance for Inborn genetic diseases. Last evaluated: 2025-04-27. Review status: criteria provided, single submitter. Criteria: Ambry Variant Classification Scheme 2023. Collection method: clinical testing. Allele origin: germline.

Labcorp Genetics (formerly Invitae), Labcorp
Classification: Uncertain significance. Last evaluated: 2022-08-10. Review status: criteria provided, single submitter. Criteria: Invitae Variant Classification Sherloc (09022015). Collection method: clinical testing. Allele origin: germline.
Comment: This sequence change replaces lysine, which is basic and polar, with glutamic acid, which is acidic and polar, at codon 1672 of the VPS13A protein (p.Lys1672Glu). This variant is present in population databases (no rsID available, gnomAD 0.006%). This variant has not been reported in the literature in individuals affected with VPS13A-related conditions. Algorithms developed to predict the effect of missense changes on protein structure and function (SIFT, PolyPhen-2, Align-GVGD) all suggest that this variant is likely to be tolerated. In summary, the available evidence is currently insufficient to determine the role of this variant in disease. Therefore, it has been classified as a Variant of Uncertain Significance.

NM_033305.3(VPS13A):c.5014A>G (p.Lys1672Glu)

Gene: VPS13A (vacuolar protein sorting 13 homolog A; plus strand). Cytogenetic location: 9q21.2.
Variant type: single nucleotide variant.
Coding change: c.5014A>G on transcript NM_033305.3 (MANE Select); coding-DNA position 5014, A replaced by G.
Protein change: p.Lys1672Glu; replaces lysine 1672 with glutamic acid.
Molecular consequence: missense variant.
Genome position (GRCh38, 1-based): chr9:77,318,292, A>G. VCF-style: chr9-77318292-A-G. GRCh37 (hg19) VCF-style: chr9-79933208-A-G.
Other names: c.4897A>G, p.Lys1633Glu (NM_001018037.2); c.5014A>G, p.Lys1672Glu (NM_001018038.3, NM_015186.4); c.5014A>G (NM_033305.2); short protein forms K1672E, K1633E.
Identifiers: ClinVar variation 2159815 (VCV002159815.3), dbSNP rs1288765183, ClinGen allele CA373859217.